The following is an entry in ClinVar:

ClinVar aggregate classification (germline): Uncertain significance (1 of 4 stars; one submission).

Conditions:
PMM2-congenital disorder of glycosylation. Also called: PMM2-CDG; CDG Ia; Congenital disorder of glycosylation, type Ia; JAEKEN SYNDROME; PHOSPHOMANNOMUTASE 2 DEFICIENCY; CARBOHYDRATE-DEFICIENT GLYCOPROTEIN SYNDROME, TYPE Ia. Identifiers: Orphanet 79318, MedGen C0349653, MONDO:0008907, OMIM 212065.

Submission:

Labcorp Genetics (formerly Invitae), Labcorp
Classification: Uncertain significance for PMM2-congenital disorder of glycosylation. Last evaluated: 2022-09-06. Review status: criteria provided, single submitter. Criteria: Invitae Variant Classification Sherloc (09022015). Collection method: clinical testing. Allele origin: germline.
Comment: This variant results in a copy number gain of the genomic region encompassing exon(s) 1-7 of the PMM2 gene. This region includes the initiator codon of the gene. This copy number gain extends beyond the assayed region for this gene and therefore may encompass additional genes. As the precise location of this event is unknown, it may be in tandem or it may be located elsewhere in the genome. This variant has not been reported in the literature in individuals affected with PMM2-related conditions. In summary, the available evidence is currently insufficient to determine the role of this variant in disease. Therefore, it has been classified as a Variant of Uncertain Significance.

NC_000016.10:g.(?_8768173)_(8832245_?)dup

Genes: ABAT (4-aminobutyrate aminotransferase; plus strand), PMM2 (phosphomannomutase 2; plus strand), TMEM186 (transmembrane protein 186; minus strand). Cytogenetic location: 16p13.2.
Variant type: Duplication.
Identifiers: ClinVar variation 831654 (VCV000831654.2).